The following is an entry in ClinVar:

NM_001267550.2(TTN):c.54450T>C (p.Ser18150=)

Genes: TTN (titin; minus strand), TTN-AS1 (TTN antisense RNA 1; plus strand). Cytogenetic location: 2q31.2.
Variant type: single nucleotide variant.
Coding change: c.54450T>C on transcript NM_001267550.2 (MANE Select); coding-DNA position 54450, T replaced by C.
Protein change: p.Ser18150=; no amino-acid change (serine 18150 retained).
Molecular consequence: synonymous variant.
Genome position (GRCh38, 1-based): chr2:178,604,237, A>G on the plus strand (T>C on the coding strand, the complement: TTN is on the minus strand). VCF-style: chr2-178604237-A-G. GRCh37 (hg19) VCF-style: chr2-179468964-A-G.
Other names: c.49527T>C, p.Ser16509= (NM_001256850.1); c.27255T>C, p.Ser9085= (NM_003319.4); c.46746T>C, p.Ser15582= (NM_133378.4); c.27630T>C, p.Ser9210= (NM_133432.3); c.27831T>C, p.Ser9277= (NM_133437.4).
Identifiers: ClinVar variation 795700 (VCV000795700.43), dbSNP rs376316611, ClinGen allele CA1993625.
Genomic context (GRCh38, chr2:178,604,237, plus strand): 5'-TGGAGGTCCAGGAAGGCGATAAGGATCTTGAATGACTACTTTATCTGATTTGCACTCATC[A>G]CTGATTCCATATTTATTCACTGCCCTGACTCGGAACTCATACTGACCATTGGGGATAAGT-3'
Protein context (NP_001254479.2, residues 18140-18160): RVRAVNKYGI[Ser18150=]DECKSDKVVI

ClinVar aggregate classification (germline): Likely benign. Review status: criteria provided, multiple submitters, no conflicts (2 of 4 stars). 3 submissions from 3 submitters: Likely benign (3). Last evaluated 2025-12-01.

Conditions:
Dilated cardiomyopathy 1G (CMD1G). Identifiers: Orphanet 154, MedGen C1858763, MONDO:0011400, OMIM 604145.
Autosomal recessive limb-girdle muscular dystrophy type 2J (LGMDR10). Also called: MUSCULAR DYSTROPHY, LIMB-GIRDLE, AUTOSOMAL RECESSIVE 10; Limb-girdle muscular dystrophy, type 2J. Identifiers: Orphanet 140922, MedGen C1837342, MONDO:0012127, OMIM 608807.
Cardiovascular phenotype. Identifiers: MedGen CN230736.

Allele frequency attached by ClinVar (database versions not stated): gnomAD exomes below 0.00001 and 0.00001; TOPMed below 0.00001; ExAC 0.00003; ESP Exome Variant Server 0.00008.
gnomAD v4.1: 6 of 1,592,860 alleles (0.00038%); highest among the groups gnomAD compares: Middle Eastern, 0.017%; no homozygotes.

Submissions (3):

Labcorp Genetics (formerly Invitae), Labcorp
Classification: Likely benign for Dilated cardiomyopathy 1G; Autosomal recessive limb-girdle muscular dystrophy type 2J. Last evaluated: 2025-12-01. Review status: criteria provided, single submitter. Criteria: Invitae Variant Classification Sherloc (09022015). Collection method: clinical testing. Allele origin: germline.

CeGaT Center for Human Genetics Tuebingen
Classification: Likely benign. Last evaluated: 2024-11-01. Review status: criteria provided, single submitter. Criteria: CeGaT Center For Human Genetics Tuebingen Variant Classification Criteria Version 2. Collection method: clinical testing. Allele origin: germline. Affected: yes. Observed: 6 variant alleles.
Comment: TTN: BP4, BP7

Ambry Genetics
Classification: Likely benign for Cardiovascular phenotype. Last evaluated: 2021-12-15. Review status: criteria provided, single submitter. Criteria: Ambry Variant Classification Scheme 2023. Collection method: clinical testing. Allele origin: germline.